The following is an entry in ClinVar:

ClinVar aggregate classification (germline): Likely benign. Review status: criteria provided, multiple submitters, no conflicts (2 of 4 stars). 3 submissions from 3 submitters: Likely benign (2). 1 of the submissions does not count toward it. Last evaluated 2025-12-01.

Conditions:
LRRC8A-related disorder. Also called: LRRC8A-related condition.

Allele frequency attached by ClinVar (database versions not stated): gnomAD exomes 0.00027 and 0.00049; gnomAD 0.00029 and 0.00031; ExAC 0.00038; TOPMed 0.00042; ESP Exome Variant Server 0.00054.
gnomAD v4.1: 742 of 1,614,012 alleles (0.046%); highest among the groups gnomAD compares: Non-Finnish European, 0.057%; 3 homozygotes.

Submissions (3):

Labcorp Genetics (formerly Invitae), Labcorp
Classification: Likely benign. Last evaluated: 2025-12-01. Review status: criteria provided, single submitter. Criteria: Invitae Variant Classification Sherloc (09022015). Collection method: clinical testing. Allele origin: germline.

Blueprint Genetics
Classification: Likely benign. Last evaluated: 2024-11-22. Review status: criteria provided, single submitter. Criteria: ACMG Guidelines, 2015. Collection method: clinical testing. Allele origin: germline.

PreventionGenetics, part of Exact Sciences
Classification: Likely benign for LRRC8A-related condition. Last evaluated: 2023-10-18. Review status: no assertion criteria provided. Collection method: clinical testing. Allele origin: germline. Not counted in ClinVar's aggregate classification.
Comment: This variant is classified as likely benign based on ACMG/AMP sequence variant interpretation guidelines (Richards et al. 2015 PMID: 25741868, with internal and published modifications).

NM_019594.4(LRRC8A):c.867C>T (p.Ile289=)

Gene: LRRC8A (leucine rich repeat containing 8 VRAC subunit A; plus strand). Cytogenetic location: 9q34.11.
Variant type: single nucleotide variant.
Coding change: c.867C>T on transcript NM_019594.4 (MANE Select); coding-DNA position 867, C replaced by T.
Protein change: p.Ile289=; no amino-acid change (isoleucine 289 retained).
Molecular consequence: synonymous variant.
Genome position (GRCh38, 1-based): chr9:128,908,031, C>T. VCF-style: chr9-128908031-C-T. GRCh37 (hg19) VCF-style: chr9-131670310-C-T.
Other names: c.867C>T, p.Ile289= (NM_001127244.2, NM_001127245.2); c.867C>T (NM_019594.3).
Identifiers: ClinVar variation 1079234 (VCV001079234.12), dbSNP rs143934910, ClinGen allele CA5270786.